The following is an entry in ClinVar:

NM_001276270.2(MBD4):c.1564T>G (p.Trp522Gly)

Gene: MBD4 (methyl-CpG binding domain 4, DNA glycosylase; minus strand). Cytogenetic location: 3q21.3.
Variant type: single nucleotide variant.
Coding change: c.1564T>G on transcript NM_001276270.2 (MANE Select); coding-DNA position 1564, T replaced by G.
Protein change: p.Trp522Gly; replaces tryptophan 522 with glycine.
Molecular consequence: missense variant.
Genome position (GRCh38, 1-based): chr3:129,432,586, A>C on the plus strand (T>G on the coding strand, the complement: MBD4 is on the minus strand). VCF-style: chr3-129432586-A-C. GRCh37 (hg19) VCF-style: chr3-129151429-A-C.
Other names: c.1582T>G, p.Trp528Gly (NM_001276271.2, NM_001276272.2, NM_003925.3); c.628T>G, p.Trp210Gly (NM_001276273.2); short protein forms W528G, W522G, W210G.
Identifiers: ClinVar variation 3870898 (VCV003870898.1).

ClinVar aggregate classification (germline): Uncertain significance (1 of 4 stars; one submission).

Conditions:
Inborn genetic diseases. Identifiers: MedGen C0950123, MeSH D030342.

Submission:

Ambry Genetics
Classification: Uncertain significance for Inborn genetic diseases. Last evaluated: 2025-01-13. Review status: criteria provided, single submitter. Criteria: Ambry Variant Classification Scheme 2023. Collection method: clinical testing. Allele origin: germline.
Comment: The p.W522G variant (also known as c.1564T>G), located in coding exon 7 of the MBD4 gene, results from a T to G substitution at nucleotide position 1564. The tryptophan at codon 522 is replaced by glycine, an amino acid with highly dissimilar properties. This amino acid position is conserved. In addition, this alteration is predicted to be deleterious by in silico analysis. Based on the available evidence, the clinical significance of this variant remains unclear.